The following is an entry in ClinVar:

ClinVar aggregate classification (germline): Conflicting classifications of pathogenicity. Review status: criteria provided, conflicting classifications (1 of 4 stars). 6 submissions from 6 submitters: Uncertain significance (5); Likely benign (1). Last evaluated 2026-06-05.

Conditions:
Cardiovascular phenotype. Identifiers: MedGen CN230736.
SCN10A-related disorder. Also called: SCN10A-related condition.
Brugada syndrome. Also called: Sudden unexpected nocturnal death syndrome; Sudden unexplained nocturnal death syndrome; Sudden Unexplained Death Syndrome; Sudden Unexplained Nocturnal Death Syndrome (SUNDS). Identifiers: Orphanet 130, MedGen C1142166, MONDO:0015263.

Allele frequency attached by ClinVar (database versions not stated): gnomAD 0.00003; TOPMed 0.00006; ESP Exome Variant Server 0.00008.

Submissions (6):

PreventionGenetics, part of Exact Sciences
Classification: Uncertain significance for SCN10A-related condition. Last evaluated: 2026-06-05. Review status: criteria provided, single submitter. Criteria: ACMG Guidelines, 2015. Collection method: clinical testing. Allele origin: germline.
Comment: The SCN10A c.4878G>A variant is predicted to result in the amino acid substitution p.Met1626Ile. This variant has been reported in an individual with small fiber neuropathy (Brouwer et al. 2014. PubMed ID: 25250524; Eijkenboom et al. 2018. PubMed ID: 30554136). This variant is reported in 0.010% of alleles in individuals of European (Non-Finnish) descent in gnomAD. At this time, the clinical significance of this variant is uncertain due to the absence of conclusive functional and genetic evidence.

Labcorp Genetics (formerly Invitae), Labcorp
Classification: Uncertain significance for Brugada syndrome. Last evaluated: 2025-12-12. Review status: criteria provided, single submitter. Criteria: Invitae Variant Classification Sherloc (09022015). Collection method: clinical testing. Allele origin: germline.
Comment: This sequence change replaces methionine, which is neutral and non-polar, with isoleucine, which is neutral and non-polar, at codon 1626 of the SCN10A protein (p.Met1626Ile). This variant is present in population databases (rs371337228, gnomAD 0.009%). This missense change has been observed in individual(s) with SCN10A-related conditions (PMID: 25250524). ClinVar contains an entry for this variant (Variation ID: 463262). Invitae Evidence Modeling of protein sequence and biophysical properties (such as structural, functional, and spatial information, amino acid conservation, physicochemical variation, residue mobility, and thermodynamic stability) indicates that this missense variant is expected to disrupt SCN10A protein function with a positive predictive value of 80%. In summary, the available evidence is currently insufficient to determine the role of this variant in disease. Therefore, it has been classified as a Variant of Uncertain Significance.

Blueprint Genetics
Classification: Uncertain significance. Last evaluated: 2024-09-30. Review status: criteria provided, single submitter. Criteria: ACMG Guidelines, 2015. Collection method: clinical testing. Allele origin: germline.

Women's Health and Genetics/Laboratory Corporation of America, LabCorp
Classification: Uncertain significance. Last evaluated: 2024-09-23. Review status: criteria provided, single submitter. Criteria: LabCorp Variant Classification Summary - May 2015. Collection method: clinical testing. Allele origin: germline.
Comment: Variant summary: SCN10A c.4878G>A (p.Met1626Ile) results in a conservative amino acid change located in the Ion transport domain (IPR005821) of the encoded protein sequence. Four of five in-silico tools predict a damaging effect of the variant on protein function. The variant allele was found at a frequency of 4.8e-05 in 251320 control chromosomes. This frequency is not significantly higher than estimated for a pathogenic variant in SCN10A causing SCN10A-Related Disorders, allowing no conclusion about variant significance. c.4878G>A has been reported in the literature in at least one individual affected with pure small fibre neuropathy (e.g. Brouwer_2014, Eijkenboom_2019). These reports do not provide unequivocal conclusions about association of the variant with SCN10A-Related Disorders. To our knowledge, no experimental evidence demonstrating an impact on protein function has been reported. The following publications have been ascertained in the context of this evaluation (PMID: 25250524, 30554136). ClinVar contains an entry for this variant (Variation ID: 463262). Based on the evidence outlined above, the variant was classified as uncertain significance.

GeneDx
Classification: Uncertain significance. Last evaluated: 2024-04-04. Review status: criteria provided, single submitter. Criteria: GeneDx Variant Classification Process June 2021. Collection method: clinical testing. Allele origin: germline. Affected: yes.
Comment: Has not been previously published as pathogenic or benign to our knowledge; In silico analysis supports that this missense variant has a deleterious effect on protein structure/function

Ambry Genetics
Classification: Likely benign for Cardiovascular phenotype. Last evaluated: 2019-12-07. Review status: criteria provided, single submitter. Criteria: Ambry Variant Classification Scheme 2023. Collection method: clinical testing. Allele origin: germline.

Literature cited by the submitters: PubMed 25250524 (cited by Labcorp Genetics (formerly Invitae), Labcorp and Women's Health and Genetics/Laboratory Corporation of America, LabCorp); PubMed 30554136 (cited by Women's Health and Genetics/Laboratory Corporation of America, LabCorp).

NM_006514.4(SCN10A):c.4878G>A (p.Met1626Ile)

Gene: SCN10A (sodium voltage-gated channel alpha subunit 10; minus strand). Cytogenetic location: 3p22.2.
Variant type: single nucleotide variant.
Coding change: c.4878G>A on transcript NM_006514.4 (MANE Select); coding-DNA position 4878, G replaced by A.
Protein change: p.Met1626Ile; replaces methionine 1626 with isoleucine.
Molecular consequence: missense variant.
Genome position (GRCh38, 1-based): chr3:38,698,342, C>T on the plus strand (G>A on the coding strand, the complement: SCN10A is on the minus strand). VCF-style: chr3-38698342-C-T. GRCh37 (hg19) VCF-style: chr3-38739833-C-T.
Other names: c.4875G>A, p.Met1625Ile (NM_001293306.2); c.4584G>A, p.Met1528Ile (NM_001293307.2); c.4878G>A (NM_006514.2); short protein forms M1626I, M1528I, M1625I.
Identifiers: ClinVar variation 463262 (VCV000463262.15), dbSNP rs371337228, ClinGen allele CA2319787.